The following is an entry in ClinVar:

ClinVar aggregate classification (germline): Likely benign. Review status: criteria provided, multiple submitters, no conflicts (2 of 4 stars). 3 submissions from 3 submitters: Likely benign (2). 1 of the submissions does not count toward it. Last evaluated 2019-12-31.

Conditions:
DIAPH3-related disorder. Also called: DIAPH3-related condition.

Allele frequency attached by ClinVar (database versions not stated): gnomAD 0.00001.

Submissions (3):

Labcorp Genetics (formerly Invitae), Labcorp
Classification: Likely benign. Last evaluated: 2019-12-31. Review status: criteria provided, single submitter. Criteria: Invitae Variant Classification Sherloc (09022015). Collection method: clinical testing. Allele origin: germline.

Breakthrough Genomics
Classification: Likely benign. Review status: criteria provided, single submitter. Criteria: ACMG Guidelines, 2015. Collection method: not provided. Allele origin: germline. Inheritance: Autosomal dominant inheritance. Affected: yes.

PreventionGenetics, part of Exact Sciences
Classification: Likely benign for DIAPH3-related condition. Last evaluated: 2019-11-26. Review status: no assertion criteria provided. Collection method: clinical testing. Allele origin: germline. Not counted in ClinVar's aggregate classification.
Comment: This variant is classified as likely benign based on ACMG/AMP sequence variant interpretation guidelines (Richards et al. 2015 PMID: 25741868, with internal and published modifications).

NM_001042517.2(DIAPH3):c.1788T>A (p.Pro596=)

Gene: DIAPH3 (diaphanous related formin 3; minus strand). Cytogenetic location: 13q21.2.
Variant type: single nucleotide variant.
Coding change: c.1788T>A on transcript NM_001042517.2 (MANE Select); coding-DNA position 1788, T replaced by A.
Protein change: p.Pro596=; no amino-acid change (proline 596 retained).
Molecular consequence: synonymous variant.
Genome position (GRCh38, 1-based): chr13:59,971,023, A>T on the plus strand (T>A on the coding strand, the complement: DIAPH3 is on the minus strand). VCF-style: chr13-59971023-A-T. GRCh37 (hg19) VCF-style: chr13-60545157-A-T.
Other names: c.1755T>A, p.Pro585= (NM_001258366.2); c.1650T>A, p.Pro550= (NM_001258367.2); c.1578T>A, p.Pro526= (NM_001258368.2); c.1788T>A, p.Pro596= (NM_001258369.2); c.999T>A, p.Pro333= (NM_001258370.2, NM_030932.4).
Identifiers: ClinVar variation 761652 (VCV000761652.7), dbSNP rs1594171966, ClinGen allele CA484037273.